The following is an entry in ClinVar:

NM_002437.5(MPV17):c.197T>A (p.Val66Glu)

Gene: MPV17 (mitochondrial inner membrane protein MPV17; minus strand). Cytogenetic location: 2p23.3.
Variant type: single nucleotide variant.
Coding change: c.197T>A on transcript NM_002437.5 (MANE Select); coding-DNA position 197, T replaced by A.
Protein change: p.Val66Glu; replaces valine 66 with glutamic acid.
Molecular consequence: missense variant.
Genome position (GRCh38, 1-based): chr2:27,312,762, A>T on the plus strand (T>A on the coding strand, the complement: MPV17 is on the minus strand). VCF-style: chr2-27312762-A-T. GRCh37 (hg19) VCF-style: chr2-27535629-A-T.
Other names: short protein forms V66E.
Identifiers: ClinVar variation 694366 (VCV000694366.1), dbSNP rs755007721, ClinGen allele CA346209018.
Genomic context (GRCh38, chr2:27,312,762, plus strand): 5'-AGTGCATCCACTTTGGTGGTGCCAGGGATGAACCGATCCAAAACCTTGTACCAGCCTCCT[A>T]CCACAGGGCCCTGGAAGTAAACCCCAGATAGCAGCAGGCTGCAGTGAGGGAGCCCTAGGC-3'
Protein context (NP_002428.1, residues 56-76): SLGCGFVGPV[Val66Glu]GGWYKVLDRF

ClinVar aggregate classification (germline): Uncertain significance (1 of 4 stars; one submission).

Conditions:
Mitochondrial DNA depletion syndrome 6 (hepatocerebral type). Also called: NAVAJO NEUROPATHY; Mitochondrial DNA depletion syndrome type 6; Navajo neurohepatopathy. Identifiers: Orphanet 255229, MedGen C1850406, MONDO:0009747, OMIM 256810.

Submission:

SIB Swiss Institute of Bioinformatics
Classification: Uncertain significance for Mitochondrial DNA depletion syndrome 6 (hepatocerebral type). Last evaluated: 2019-08-13. Review status: criteria provided, single submitter. Criteria: ACMG Guidelines, 2015. Collection method: curation. Allele origin: unknown.
Comment: This variant is interpreted as a variant of uncertain significance for Mitochondrial DNA depletion syndrome 6, autosomal recessive. The following ACMG Tag(s) were applied: PM2, PM3.

Literature cited by the submitters: PubMed 27536553.